The following is an entry in ClinVar:

NM_031293.3(PMFBP1):c.932T>A (p.Leu311Ter)

Gene: PMFBP1 (polyamine modulated factor 1 binding protein 1; minus strand). Cytogenetic location: 16q22.2.
Variant type: single nucleotide variant.
Coding change: c.932T>A on transcript NM_031293.3 (MANE Select); coding-DNA position 932, T replaced by A.
Protein change: p.Leu311Ter; replaces leucine 311 with a stop codon.
Molecular consequence: nonsense.
Genome position (GRCh38, 1-based): chr16:72,136,806, A>T on the plus strand (T>A on the coding strand, the complement: PMFBP1 is on the minus strand). VCF-style: chr16-72136806-A-T. GRCh37 (hg19) VCF-style: chr16-72170705-A-T.
Other names: c.497T>A, p.Leu166Ter (NM_001160213.2); short protein forms L166*, L311*.
Identifiers: ClinVar variation 4850617 (VCV004850617.1).
Genomic context (GRCh38, chr16:72,136,806, plus strand): 5'-TCCTTCACCAGGTTCTGGTACTCCTCCACATGCAGGCACTGGCTGTCTTTCTGCTCCTGC[A>T]AGTGCTTCAGTATCTGGCAGATGGAAGAACAGGGCAGGATGAGGAGATGAGAGACAATGG-3'

ClinVar aggregate classification (germline): Likely pathogenic (1 of 4 stars; one submission).

Conditions:
Spermatogenic failure 31. Identifiers: MedGen C4748234, MONDO:0020852, OMIM 618112.

Submission:

First Genomix Gene Laboratory, Genetic Diagnostics Department
Classification: Likely pathogenic for Spermatogenic failure 31. Last evaluated: 2025-12-28. Review status: criteria provided, single submitter. Criteria: ACMG Guidelines, 2015. Collection method: clinical testing. Allele origin: germline. Inheritance: Autosomal recessive inheritance. Affected: no. Observed: 1 variant allele.